The following is an entry in ClinVar:

ClinVar aggregate classification (germline): Benign. Review status: criteria provided, multiple submitters, no conflicts (2 of 4 stars). 11 submissions from 10 submitters: Benign (9). 2 of the submissions do not count toward it. Last evaluated 2026-02-03.

Conditions:
Emery-Dreifuss muscular dystrophy 4, autosomal dominant (EDMD4). Also called: EMERY-DREIFUSS MUSCULAR DYSTROPHY 4 WITH VARIABLE FEATURES. Identifiers: Orphanet 261, MedGen C2751807, MONDO:0013071, OMIM 612998.
Autosomal recessive ataxia, Beauce type. Also called: SYNE1 Deficiency; Spinocerebellar ataxia, autosomal recessive 8; ATAXIA, RECESSIVE, OF BEAUCE; SYNE1-Related Autosomal Recessive Cerebellar Ataxia. Identifiers: Orphanet 88644, MedGen C1853116, MONDO:0012549, OMIM 610743.

Allele frequency attached by ClinVar (database versions not stated): gnomAD exomes 0.32839 and 0.35212; gnomAD 0.33426 and 0.33651; ESP Exome Variant Server 0.33592; ExAC 0.34515; TOPMed 0.35726; 1000 Genomes Project 0.36621; 1000 Genomes Project 30x 0.37289.
gnomAD v4.1: 531,337 of 1,612,136 alleles (33%); highest among the groups gnomAD compares: Admixed American, 49%; 89,717 homozygotes.

Submissions (11):

Labcorp Genetics (formerly Invitae), Labcorp
Classification: Benign for Emery-Dreifuss muscular dystrophy 4, autosomal dominant; Autosomal recessive ataxia, Beauce type. Last evaluated: 2026-02-03. Review status: criteria provided, single submitter. Criteria: Invitae Variant Classification Sherloc (09022015). Collection method: clinical testing. Allele origin: germline.

Blueprint Genetics
Classification: Benign. Last evaluated: 2024-11-27. Review status: criteria provided, single submitter. Criteria: ACMG Guidelines, 2015. Collection method: clinical testing. Allele origin: germline.

Athena Diagnostics
Classification: Benign. Last evaluated: 2018-11-02. Review status: criteria provided, single submitter. Criteria: Athena Diagnostics Criteria. Collection method: clinical testing. Allele origin: germline.

Illumina Laboratory Services, Illumina
Classification: Benign for Autosomal recessive ataxia, Beauce type. Last evaluated: 2018-01-13. Review status: criteria provided, single submitter. Criteria: ICSL Variant Classification Criteria 13 December 2019. Collection method: clinical testing. Allele origin: germline.
Comment: This variant was observed in the ICSL laboratory as part of a predisposition screen in an ostensibly healthy population. It had not been previously curated by ICSL or reported in the Human Gene Mutation Database (HGMD: prior to June 1st, 2018), and was therefore a candidate for classification through an automated scoring system. Utilizing variant allele frequency, disease prevalence and penetrance estimates, and inheritance mode, an automated score was calculated to assess if this variant is too frequent to cause the disease. Based on the score and internal cut-off values, a variant classified as benign is not then subjected to further curation. The score for this variant resulted in a classification of benign for this disease.

Illumina Laboratory Services, Illumina
Classification: Benign for Emery-Dreifuss muscular dystrophy 4, autosomal dominant. Last evaluated: 2018-01-13. Review status: criteria provided, single submitter. Criteria: ICSL Variant Classification Criteria 13 December 2019. Collection method: clinical testing. Allele origin: germline.
Comment: the same text as in the submission from Illumina Laboratory Services, Illumina above.

Mayo Clinic Laboratories, Mayo Clinic
Classification: Benign. Last evaluated: 2017-07-25. Review status: criteria provided, single submitter. Criteria: ACMG Guidelines, 2015. Collection method: clinical testing. Allele origin: germline. Observed: 661 variant alleles.

GeneDx
Classification: Benign. Last evaluated: 2016-01-25. Review status: criteria provided, single submitter. Criteria: GeneDx Variant Classification (06012015). Collection method: clinical testing. Allele origin: germline. Affected: yes.
Comment: This variant is considered likely benign or benign based on one or more of the following criteria: it is a conservative change, it occurs at a poorly conserved position in the protein, it is predicted to be benign by multiple in silico algorithms, and/or has population frequency not consistent with disease.

Genetic Services Laboratory, University of Chicago
Classification: Benign for AllHighlyPenetrant. Last evaluated: 2013-08-15. Review status: criteria provided, single submitter. Criteria: ACMG Guidelines, 2007. Collection method: clinical testing. Allele origin: germline. Inheritance: Autosomal dominant inheritance.

PreventionGenetics, part of Exact Sciences
Classification: Benign. Review status: criteria provided, single submitter. Criteria: ACMG Guidelines, 2015. Collection method: clinical testing. Allele origin: germline.

Clinical Genetics, Academic Medical Center
Classification: Benign. Review status: no assertion criteria provided. Collection method: clinical testing. Allele origin: germline. Affected: yes. Study: VKGL Data-share Consensus. Not counted in ClinVar's aggregate classification.

Diagnostic Laboratory, Department of Genetics, University Medical Center Groningen
Classification: Benign. Review status: no assertion criteria provided. Collection method: clinical testing. Allele origin: germline. Affected: yes. Study: VKGL Data-share Consensus. Not counted in ClinVar's aggregate classification.

NM_001347702.2(SYNE1):c.1458A>G (p.Glu486=)

Gene: SYNE1 (spectrin repeat containing nuclear envelope protein 1; minus strand). Cytogenetic location: 6q25.2.
Variant type: single nucleotide variant.
Coding change: c.1458A>G on transcript NM_001347702.2 (MANE Plus Clinical); coding-DNA position 1458, A replaced by G.
Protein change: p.Glu486=; no amino-acid change (glutamic acid 486 retained).
Molecular consequence: synonymous variant. On other transcripts: intron variant (2).
Genome position (GRCh38, 1-based): chr6:152,145,539, T>C on the plus strand (A>G on the coding strand, the complement: SYNE1 is on the minus strand). VCF-style: chr6-152145539-T-C. GRCh37 (hg19) VCF-style: chr6-152466674-T-C.
Other names: p.Glu8260=; c.24780A>G, p.Glu8260= (NM_033071.5); c.24977-1774A>G (NM_182961.4); c.1583-1774A>G (NM_001347701.2).
Identifiers: ClinVar variation 130429 (VCV000130429.24), dbSNP rs2747662, ClinGen allele CA155434.